The following is an entry in ClinVar:

ClinVar aggregate classification (germline): Conflicting classifications of pathogenicity. Review status: criteria provided, conflicting classifications (1 of 4 stars). 19 submissions from 19 submitters: Uncertain significance (1); Benign (5); Likely benign (10). 3 of the submissions do not count toward it. Last evaluated 2026-01-28.

Conditions:
Breast and/or ovarian cancer. Identifiers: MedGen CN221562.
Hereditary cancer-predisposing syndrome. Also called: Tumor predisposition; Hereditary neoplastic syndrome; Hereditary Cancer Syndrome; Neoplastic Syndromes, Hereditary. Identifiers: Orphanet 140162, MedGen C0027672, MeSH D009386, MONDO:0015356.
Peutz-Jeghers syndrome (PJS). Also called: Peutz-Jeghers polyposis; Periorificial lentiginosis syndrome; POLYPOSIS, HAMARTOMATOUS INTESTINAL; POLYPS-AND-SPOTS SYNDROME. Identifiers: Orphanet 2869, MedGen C0031269, MeSH D010580, MONDO:0008280, OMIM 175200.

Allele frequency attached by ClinVar (database versions not stated): ExAC 0.00009; TOPMed 0.00016; gnomAD exomes 0.00017 and 0.00033; gnomAD 0.00019 and 0.00020.
gnomAD v4.1: 483 of 1,529,578 alleles (0.032%); highest among the groups gnomAD compares: Non-Finnish European, 0.04%; no homozygotes.

Submissions (19):

Labcorp Genetics (formerly Invitae), Labcorp
Classification: Likely benign for Peutz-Jeghers syndrome. Last evaluated: 2026-01-28. Review status: criteria provided, single submitter. Criteria: Invitae Variant Classification Sherloc (09022015). Collection method: clinical testing. Allele origin: germline.

Myriad Genetics, Inc.
Classification: Benign for Peutz-Jeghers syndrome. Last evaluated: 2025-03-31. Review status: criteria provided, single submitter. Criteria: Myriad Autosomal Dominant, Autosomal Recessive and X-Linked Classification Criteria (2023). Collection method: clinical testing. Allele origin: unknown.
Comment: This variant is considered benign. This variant is a silent/synonymous amino acid change and it is not expected to impact splicing.

Center for Genomic Medicine, Rigshospitalet, Copenhagen University Hospital
Classification: Likely benign. Last evaluated: 2025-03-04. Review status: criteria provided, single submitter. Criteria: ACMG Guidelines, 2015. Collection method: clinical testing. Allele origin: germline.

Blueprint Genetics
Classification: Likely benign. Last evaluated: 2024-04-23. Review status: criteria provided, single submitter. Criteria: ACMG Guidelines, 2015. Collection method: clinical testing. Allele origin: germline.

CeGaT Center for Human Genetics Tuebingen
Classification: Likely benign. Last evaluated: 2024-03-01. Review status: criteria provided, single submitter. Criteria: CeGaT Center For Human Genetics Tuebingen Variant Classification Criteria Version 2. Collection method: clinical testing. Allele origin: germline. Affected: yes. Observed: 2 variant alleles.
Comment: STK11: BP4, BP7, BS2

Department of Pathology and Laboratory Medicine, Sinai Health System
Classification: Likely benign for Peutz-Jeghers syndrome. Last evaluated: 2023-12-18. Review status: criteria provided, single submitter. Criteria: ACMG Guidelines, 2015. Collection method: clinical testing. Allele origin: germline. Affected: yes.

CHEO Genetics Diagnostic Laboratory, Children's Hospital of Eastern Ontario
Classification: Likely benign for Breast and/or ovarian cancer. Last evaluated: 2023-02-17. Review status: criteria provided, single submitter. Criteria: ACMG Guidelines, 2015. Collection method: clinical testing. Allele origin: germline.

Quest Diagnostics Nichols Institute San Juan Capistrano
Classification: Benign. Last evaluated: 2023-01-31. Review status: criteria provided, single submitter. Criteria: Quest Diagnostics criteria. Collection method: clinical testing. Allele origin: unknown.

Genome-Nilou Lab
Classification: Likely benign for Peutz-Jeghers syndrome. Last evaluated: 2021-07-15. Review status: criteria provided, single submitter. Criteria: ACMG Guidelines, 2015. Collection method: clinical testing. Allele origin: germline. Affected: no.

Sema4
Classification: Benign for Hereditary cancer-predisposing syndrome. Last evaluated: 2020-12-02. Review status: criteria provided, single submitter. Criteria: Sema4 Curation Guidelines. Collection method: curation. Allele origin: germline.

ARUP Laboratories, Molecular Genetics and Genomics, ARUP Laboratories
Classification: Likely benign. Last evaluated: 2020-03-19. Review status: criteria provided, single submitter. Criteria: ARUP Molecular Germline Variant Investigation Process. Collection method: clinical testing. Allele origin: germline.

Illumina Laboratory Services, Illumina
Classification: Uncertain significance for Peutz-Jeghers syndrome. Last evaluated: 2018-01-12. Review status: criteria provided, single submitter. Criteria: ICSL Variant Classification Criteria 13 December 2019. Collection method: clinical testing. Allele origin: germline.

Women's Health and Genetics/Laboratory Corporation of America, LabCorp
Classification: Benign. Last evaluated: 2017-07-06. Review status: criteria provided, single submitter. Criteria: LabCorp Variant Classification Summary - May 2015. Collection method: clinical testing. Allele origin: germline.
Comment: Variant summary: The c.1296G>A (p.Gln432=) in STK11 affects a non-conserved nucleotide and 5/5 programs in Alamut predict that this variant does not affect normal splicing. ESE finder predicts that this variant may affect multiple ESE sites. However, no functional studies confirming these predictions were published at the time of evaluation. This variant is found in 1/11504 control chromosomes of ExAC at a frequency of 0.000086 and 28/157510 chrs tested in gnomAD dataset. These frequencies exceed the maximal expected frequency of a pathogenic allele (0.0000056), suggesting this variant is benign. In addition, multiple clinical laboratories classified this variant as benign/likely benign. The variant of interest has not, to our knowledge, been reported in affected individuals via publications. Taken together, this variant was classified as benign.

Color Diagnostics, LLC DBA Color Health
Classification: Likely benign for Hereditary cancer-predisposing syndrome. Last evaluated: 2015-12-14. Review status: criteria provided, single submitter. Criteria: ACMG Guidelines, 2015. Collection method: clinical testing. Allele origin: germline.

Ambry Genetics
Classification: Likely benign for Hereditary cancer-predisposing syndrome. Last evaluated: 2014-07-30. Review status: criteria provided, single submitter. Criteria: Ambry Variant Classification Scheme 2023. Collection method: clinical testing. Allele origin: germline.

GeneDx
Classification: Benign. Last evaluated: 2014-05-09. Review status: criteria provided, single submitter. Criteria: GeneDx Variant Classification (06012015). Collection method: clinical testing. Allele origin: germline. Affected: yes.
Comment: This variant is considered likely benign or benign based on one or more of the following criteria: it is a conservative change, it occurs at a poorly conserved position in the protein, it is predicted to be benign by multiple in silico algorithms, and/or has population frequency not consistent with disease.

Clinical Genetics, Academic Medical Center
Classification: Likely benign. Review status: no assertion criteria provided. Collection method: clinical testing. Allele origin: germline. Affected: yes. Study: VKGL Data-share Consensus. Not counted in ClinVar's aggregate classification.

Diagnostic Laboratory, Department of Genetics, University Medical Center Groningen
Classification: Likely benign. Review status: no assertion criteria provided. Collection method: clinical testing. Allele origin: germline. Affected: yes. Study: VKGL Data-share Consensus. Not counted in ClinVar's aggregate classification.

Genome Diagnostics Laboratory, Amsterdam University Medical Center
Classification: Likely benign. Review status: no assertion criteria provided. Collection method: clinical testing. Allele origin: germline. Affected: yes. Study: VKGL Data-share Consensus. Not counted in ClinVar's aggregate classification.

NM_000455.5(STK11):c.1296G>A (p.Gln432=)

Gene: STK11 (serine/threonine kinase 11; plus strand). Cytogenetic location: 19p13.3.
Variant type: single nucleotide variant.
Coding change: c.1296G>A on transcript NM_000455.5 (MANE Select); coding-DNA position 1296, G replaced by A.
Protein change: p.Gln432=; no amino-acid change (glutamine 432 retained).
Molecular consequence: synonymous variant.
Genome position (GRCh38, 1-based): chr19:1,226,641, G>A. VCF-style: chr19-1226641-G-A. GRCh37 (hg19) VCF-style: chr19-1226640-G-A.
Other names: p.Q432Q:CAG>CAA.
Identifiers: ClinVar variation 139339 (VCV000139339.66), dbSNP rs587781179, ClinGen allele CA022623.